The following is an entry in ClinVar:

ClinVar aggregate classification (germline): Uncertain significance (1 of 4 stars; one submission).

Conditions:
MAST1-related disorder. Also called: MAST1-related condition.

Allele frequency attached by ClinVar (database versions not stated): gnomAD 0.00001.
gnomAD v4.1: 2 of 1,562,150 alleles (0.00013%); highest among the groups gnomAD compares: African/African-American, 0.0027%; no homozygotes.

Submission:

PreventionGenetics, part of Exact Sciences
Classification: Uncertain significance for MAST1-related condition. Last evaluated: 2022-10-08. Review status: criteria provided, single submitter. Criteria: ACMG Guidelines, 2015. Collection method: clinical testing. Allele origin: germline.
Comment: The MAST1 c.2380G>A variant is predicted to result in the amino acid substitution p.Ala794Thr. To our knowledge, this variant has not been reported in the literature or in a large population database, indicating this variant is rare. At this time, the clinical significance of this variant is uncertain due to the absence of conclusive functional and genetic evidence.

NM_014975.3(MAST1):c.2380G>A (p.Ala794Thr)

Genes: MAST1 (microtubule associated serine/threonine kinase 1; plus strand), LOC112543452 (Sharpr-MPRA regulatory region 6054; plus strand). Cytogenetic location: 19p13.13.
Variant type: single nucleotide variant.
Coding change: c.2380G>A on transcript NM_014975.3 (MANE Select); coding-DNA position 2380, G replaced by A.
Protein change: p.Ala794Thr; replaces alanine 794 with threonine.
Molecular consequence: missense variant.
Genome position (GRCh38, 1-based): chr19:12,867,791, G>A. VCF-style: chr19-12867791-G-A. GRCh37 (hg19) VCF-style: chr19-12978605-G-A.
Other names: short protein forms A794T.
Identifiers: ClinVar variation 2637170 (VCV002637170.1), dbSNP rs1334592889, ClinGen allele CA404278971.